The following is an entry in ClinVar:

NM_201548.5(CERKL):c.41A>G (p.Glu14Gly)

Genes: CERKL (CERK like autophagy regulator; minus strand), LOC129935215 (ATAC-STARR-seq lymphoblastoid silent region 12158; plus strand). Cytogenetic location: 2q31.3.
Variant type: single nucleotide variant.
Coding change: c.41A>G on transcript NM_201548.5 (MANE Select); coding-DNA position 41, A replaced by G.
Protein change: p.Glu14Gly; replaces glutamic acid 14 with glycine.
Molecular consequence: missense variant. On other transcripts: non-coding transcript variant (2).
Genome position (GRCh38, 1-based): chr2:181,656,966, T>C on the plus strand (A>G on the coding strand, the complement: CERKL is on the minus strand). VCF-style: chr2-181656966-T-C. GRCh37 (hg19) VCF-style: chr2-182521693-T-C.
Other names: c.41A>G, p.Glu14Gly (NM_001030311.3, NM_001030312.3, NM_001030313.3 and 1 more transcripts); short protein forms E14G.
Identifiers: ClinVar variation 991579 (VCV000991579.6), dbSNP rs372089851, ClinGen allele CA349745855.

ClinVar aggregate classification (germline): Uncertain significance. Review status: criteria provided, single submitter (1 of 4 stars). 2 submissions from 2 submitters: Uncertain significance (1). 1 of the submissions does not count toward it. Last evaluated 2022-07-05.

Conditions:
Retinitis pigmentosa 26 (RP26). Identifiers: Orphanet 791, MedGen C1842127, MONDO:0012024, OMIM 608380.

gnomAD v4.1: 7 of 1,582,294 alleles (0.00044%); highest among the groups gnomAD compares: Non-Finnish European, 0.0006%; no homozygotes.

Submissions (2):

Labcorp Genetics (formerly Invitae), Labcorp
Classification: Uncertain significance. Last evaluated: 2022-07-05. Review status: criteria provided, single submitter. Criteria: Invitae Variant Classification Sherloc (09022015). Collection method: clinical testing. Allele origin: germline.
Comment: This sequence change replaces glutamic acid, which is acidic and polar, with glycine, which is neutral and non-polar, at codon 14 of the CERKL protein (p.Glu14Gly). This variant is not present in population databases (gnomAD no frequency). This variant has not been reported in the literature in individuals affected with CERKL-related conditions. ClinVar contains an entry for this variant (Variation ID: 991579). Algorithms developed to predict the effect of missense changes on protein structure and function (SIFT, PolyPhen-2, Align-GVGD) all suggest that this variant is likely to be tolerated. In summary, the available evidence is currently insufficient to determine the role of this variant in disease. Therefore, it has been classified as a Variant of Uncertain Significance.

Natera, Inc.
Classification: Uncertain significance for Retinitis pigmentosa type 26. Last evaluated: 2020-08-13. Review status: no assertion criteria provided. Collection method: clinical testing. Allele origin: germline. Not counted in ClinVar's aggregate classification.